The following is an entry in ClinVar:

NM_004304.5(ALK):c.3953T>C (p.Leu1318Pro)

Gene: ALK (ALK receptor tyrosine kinase; minus strand). Cytogenetic location: 2p23.2.
Variant type: single nucleotide variant.
Coding change: c.3953T>C on transcript NM_004304.5 (MANE Select); coding-DNA position 3953, T replaced by C.
Protein change: p.Leu1318Pro; replaces leucine 1318 with proline.
Molecular consequence: missense variant.
Genome position (GRCh38, 1-based): chr2:29,197,662, A>G on the plus strand (T>C on the coding strand, the complement: ALK is on the minus strand). VCF-style: chr2-29197662-A-G. GRCh37 (hg19) VCF-style: chr2-29420528-A-G.
Other names: c.749T>C, p.Leu250Pro (NM_001353765.2); short protein forms L1318P, L250P.
Identifiers: ClinVar variation 2101145 (VCV002101145.4), dbSNP rs2148143617, ClinGen allele CA346466457.

ClinVar aggregate classification (germline): Uncertain significance (1 of 4 stars; one submission).

Conditions:
Neuroblastoma, susceptibility to, 3. Also called: ALK-Related Neuroblastic Tumor Susceptibility. Identifiers: Orphanet 635, MedGen C2751681, MONDO:0013083, OMIM 613014.

Submission:

Labcorp Genetics (formerly Invitae), Labcorp
Classification: Uncertain significance for Neuroblastoma, susceptibility to, 3. Last evaluated: 2022-02-21. Review status: criteria provided, single submitter. Criteria: Invitae Variant Classification Sherloc (09022015). Collection method: clinical testing. Allele origin: germline.
Comment: In summary, the available evidence is currently insufficient to determine the role of this variant in disease. Therefore, it has been classified as a Variant of Uncertain Significance. Algorithms developed to predict the effect of missense changes on protein structure and function are either unavailable or do not agree on the potential impact of this missense change (SIFT: "Deleterious"; PolyPhen-2: "Probably Damaging"; Align-GVGD: "Class C0"). This variant has not been reported in the literature in individuals affected with ALK-related conditions. This variant is not present in population databases (gnomAD no frequency). This sequence change replaces leucine, which is neutral and non-polar, with proline, which is neutral and non-polar, at codon 1318 of the ALK protein (p.Leu1318Pro).